The following is an entry in ClinVar:

ClinVar aggregate classification (germline): Uncertain significance. Review status: criteria provided, multiple submitters, no conflicts (2 of 4 stars). 2 submissions from 2 submitters: Uncertain significance (2). Last evaluated 2025-11-01.

Conditions:
Myofibrillar myopathy 4. Also called: Zaspopathy (type). Identifiers: Orphanet 98912, MedGen C4721886, MONDO:0012277, OMIM 609452.

Allele frequency attached by ClinVar (database versions not stated): gnomAD 0.00001 and 0.00003; TOPMed 0.00001; gnomAD exomes 0.00002; ExAC 0.00003; 1000 Genomes Project 0.00020.
gnomAD v4.1: 34 of 1,614,024 alleles (0.0021%); highest among the groups gnomAD compares: South Asian, 0.013%; no homozygotes.

Submissions (2):

Labcorp Genetics (formerly Invitae), Labcorp
Classification: Uncertain significance for Myofibrillar myopathy 4. Last evaluated: 2025-11-01. Review status: criteria provided, single submitter. Criteria: Invitae Variant Classification Sherloc (09022015). Collection method: clinical testing. Allele origin: germline.
Comment: The LDB3 gene has multiple clinically relevant transcripts. This variant occurs in alternate transcript NM_007078.3, and corresponds to NM_001080116.1:c.*26810G>A in the primary transcript. This sequence change replaces valine, which is neutral and non-polar, with methionine, which is neutral and non-polar, at codon 676 of the LDB3 protein (p.Val676Met). This variant is present in population databases (rs549994359, gnomAD 0.02%). This missense change has been observed in individual(s) with inclusion body myopathy (PMID: 22349865). This variant is also known as c.1719G>A (p.V566M). Experimental studies and prediction algorithms are not available or were not evaluated, and the functional significance of this variant is currently unknown. In summary, the available evidence is currently insufficient to determine the role of this variant in disease. Therefore, it has been classified as a Variant of Uncertain Significance.

GeneDx
Classification: Uncertain significance. Last evaluated: 2023-10-20. Review status: criteria provided, single submitter. Criteria: GeneDx Variant Classification Process June 2021. Collection method: clinical testing. Allele origin: germline. Affected: yes.
Comment: Not observed at significant frequency in large population cohorts (gnomAD); In silico analysis supports that this missense variant does not alter protein structure/function; Reported using an alternate transcript of the gene; Reported in a case of Inclusion body myositis (IBM) in published literature (Cai et al., 2012); This variant is associated with the following publications: (PMID: 22349865)

Literature cited by the submitters: PubMed 22349865 (cited by Labcorp Genetics (formerly Invitae), Labcorp).

NM_007078.3(LDB3):c.2026G>A (p.Val676Met)

Gene: LDB3 (LIM domain binding 3; plus strand). Cytogenetic location: 10q23.2.
Variant type: single nucleotide variant.
Coding change: c.2026G>A on transcript NM_007078.3 (MANE Select); coding-DNA position 2026, G replaced by A.
Protein change: p.Val676Met; replaces valine 676 with methionine.
Molecular consequence: missense variant.
Genome position (GRCh38, 1-based): chr10:86,726,184, G>A. VCF-style: chr10-86726184-G-A. GRCh37 (hg19) VCF-style: chr10-88485941-G-A.
Other names: c.1696G>A, p.Val566Met (NM_001080114.2); c.2041G>A, p.Val681Met (NM_001171610.2); c.1837G>A, p.Val613Met (NM_001368064.1, NM_001368065.1); c.1885G>A, p.Val629Met (NM_001368066.1); short protein forms V613M, V681M, V566M, V629M, V676M.
Identifiers: ClinVar variation 1361291 (VCV001361291.7), dbSNP rs549994359, ClinGen allele CA5585302.